The following is an entry in ClinVar:

NM_018124.4(RFWD3):c.1340C>T (p.Ala447Val)

Gene: RFWD3 (ring finger and WD repeat domain 3; minus strand). Cytogenetic location: 16q23.1.
Variant type: single nucleotide variant.
Coding change: c.1340C>T on transcript NM_018124.4 (MANE Select); coding-DNA position 1340, C replaced by T.
Protein change: p.Ala447Val; replaces alanine 447 with valine.
Molecular consequence: missense variant.
Genome position (GRCh38, 1-based): chr16:74,636,432, G>A on the plus strand (C>T on the coding strand, the complement: RFWD3 is on the minus strand). VCF-style: chr16-74636432-G-A. GRCh37 (hg19) VCF-style: chr16-74670330-G-A.
Other names: c.1340C>T, p.Ala447Val (NM_001370534.1, NM_001370535.1, NM_001370536.1); c.506C>T, p.Ala169Val (NM_001370537.1, NM_001370539.1, NM_001370540.1 and 2 more transcripts); short protein forms A169V, A447V.
Identifiers: ClinVar variation 4761842 (VCV004761842.1).

ClinVar aggregate classification (germline): Uncertain significance (1 of 4 stars; one submission).

Submission:

Labcorp Genetics (formerly Invitae), Labcorp
Classification: Uncertain significance. Last evaluated: 2025-10-23. Review status: criteria provided, single submitter. Criteria: Invitae Variant Classification Sherloc (09022015). Collection method: clinical testing. Allele origin: germline.
Comment: This sequence change replaces alanine, which is neutral and non-polar, with valine, which is neutral and non-polar, at codon 447 of the RFWD3 protein (p.Ala447Val). This variant is not present in population databases (gnomAD no frequency). This variant has not been reported in the literature in individuals affected with RFWD3-related conditions. An algorithm developed to predict the effect of missense changes on protein structure and function (PolyPhen-2) suggests that this variant is likely to be tolerated. Algorithms developed to predict the effect of sequence changes on RNA splicing suggest that this variant may disrupt the consensus splice site. In summary, the available evidence is currently insufficient to determine the role of this variant in disease. Therefore, it has been classified as a Variant of Uncertain Significance.